The following is an entry in ClinVar:

ClinVar aggregate classification (germline): Conflicting classifications of pathogenicity. Review status: criteria provided, conflicting classifications (1 of 4 stars). 2 submissions from 2 submitters: Uncertain significance (1); Likely benign (1). Last evaluated 2026-04-20.

Allele frequency attached by ClinVar (database versions not stated): TOPMed 0.00002; ExAC 0.00001; gnomAD 0.00001; gnomAD exomes 0.00001.

Submissions (2):

Women's Health and Genetics/Laboratory Corporation of America, LabCorp
Classification: Likely benign. Last evaluated: 2026-04-20. Review status: criteria provided, single submitter. Criteria: LabCorp Variant Classification Summary - May 2015. Collection method: clinical testing. Allele origin: germline.

Labcorp Genetics (formerly Invitae), Labcorp
Classification: Uncertain significance. Last evaluated: 2025-12-16. Review status: criteria provided, single submitter. Criteria: Invitae Variant Classification Sherloc (09022015). Collection method: clinical testing. Allele origin: germline.
Comment: This sequence change falls in intron 19 of the CLCN2 gene. It does not directly change the encoded amino acid sequence of the CLCN2 protein. This variant is present in population databases (rs769015069, gnomAD 0.003%). This variant has not been reported in the literature in individuals affected with CLCN2-related conditions. ClinVar contains an entry for this variant (Variation ID: 2140177). Algorithms developed to predict the effect of sequence changes on RNA splicing suggest that this variant may disrupt the consensus splice site. In summary, the available evidence is currently insufficient to determine the role of this variant in disease. Therefore, it has been classified as a Variant of Uncertain Significance.

NM_004366.6(CLCN2):c.2218-7A>G

Gene: CLCN2 (chloride voltage-gated channel 2; minus strand). Cytogenetic location: 3q27.1.
Variant type: single nucleotide variant.
Coding change: c.2218-7A>G on transcript NM_004366.6 (MANE Select); 7 bases into the intron before coding-DNA position 2218, A replaced by G.
Molecular consequence: intron variant.
Genome position (GRCh38, 1-based): chr3:184,352,503, T>C on the plus strand (A>G on the coding strand, the complement: CLCN2 is on the minus strand). VCF-style: chr3-184352503-T-C. GRCh37 (hg19) VCF-style: chr3-184070291-T-C.
Other names: c.2086-7A>G (NM_001171088.3); c.2167-7A>G (NM_001171087.3); c.2218-7A>G (NM_001171089.3).
Identifiers: ClinVar variation 2140177 (VCV002140177.5), dbSNP rs769015069, ClinGen allele CA2733783.